The following is an entry in ClinVar:

NM_181486.4(TBX5):c.1351G>A (p.Gly451Arg)

Gene: TBX5 (T-box transcription factor 5; minus strand). Cytogenetic location: 12q24.21.
Variant type: single nucleotide variant.
Coding change: c.1351G>A on transcript NM_181486.4 (MANE Select); coding-DNA position 1351, G replaced by A.
Protein change: p.Gly451Arg; replaces glycine 451 with arginine.
Molecular consequence: missense variant.
Genome position (GRCh38, 1-based): chr12:114,355,738, C>T on the plus strand (G>A on the coding strand, the complement: TBX5 is on the minus strand). VCF-style: chr12-114355738-C-T. GRCh37 (hg19) VCF-style: chr12-114793543-C-T.
Other names: c.1351G>A, p.Gly451Arg (NM_000192.3); c.1201G>A, p.Gly401Arg (NM_080717.4); short protein forms G451R, G401R.
Identifiers: ClinVar variation 3966313 (VCV003966313.1).
Genomic context (GRCh38, chr12:114,355,738, plus strand): 5'-CACACTGCCTGACCACAGGCTGGTGGGCCACGGAGGTCTGGTGCTGGAACATTCCCTCTC[C>T]CAGCTGTGGGGAGCCATGGTTGGCCATGCCAGCCAGCCGAGGGACCAGGGGCCCCGAGGT-3'
Protein context (NP_852259.1, residues 441-461): GMANHGSPQL[Gly451Arg]EGMFQHQTSV

ClinVar aggregate classification (germline): Uncertain significance (1 of 4 stars; one submission).

Conditions:
Cardiovascular phenotype. Identifiers: MedGen CN230736.

gnomAD v4.1: 6 of 1,614,138 alleles (0.00037%); highest among the groups gnomAD compares: East Asian, 0.011%; no homozygotes.

Submission:

Ambry Genetics
Classification: Uncertain significance for Cardiovascular phenotype. Last evaluated: 2025-06-10. Review status: criteria provided, single submitter. Criteria: Ambry Variant Classification Scheme 2023. Collection method: clinical testing. Allele origin: germline.
Comment: The p.G451R variant (also known as c.1351G>A), located in coding exon 8 of the TBX5 gene, results from a G to A substitution at nucleotide position 1351. The glycine at codon 451 is replaced by arginine, an amino acid with dissimilar properties. This amino acid position is conserved. In addition, this alteration is predicted to be tolerated by in silico analysis. Based on the available evidence, the clinical significance of this variant remains unclear.